The following is an entry in ClinVar:

NM_002496.4(NDUFS8):c.97G>A (p.Ala33Thr)

Gene: NDUFS8 (NADH:ubiquinone oxidoreductase core subunit S8; plus strand). Cytogenetic location: 11q13.2.
Variant type: single nucleotide variant.
Coding change: c.97G>A on transcript NM_002496.4 (MANE Select); coding-DNA position 97, G replaced by A.
Protein change: p.Ala33Thr; replaces alanine 33 with threonine.
Molecular consequence: missense variant.
Genome position (GRCh38, 1-based): chr11:68,032,324, G>A. VCF-style: chr11-68032324-G-A. GRCh37 (hg19) VCF-style: chr11-67799791-G-A.
Other names: short protein forms A33T.
Identifiers: ClinVar variation 4745095 (VCV004745095.1).

ClinVar aggregate classification (germline): Uncertain significance (1 of 4 stars; one submission).

Submission:

Labcorp Genetics (formerly Invitae), Labcorp
Classification: Uncertain significance. Last evaluated: 2026-01-08. Review status: criteria provided, single submitter. Criteria: Invitae Variant Classification Sherloc (09022015). Collection method: clinical testing. Allele origin: germline.
Comment: This sequence change replaces alanine, which is neutral and non-polar, with threonine, which is neutral and polar, at codon 33 of the NDUFS8 protein (p.Ala33Thr). This variant is present in population databases (rs139818945, gnomAD 0.007%). This variant has not been reported in the literature in individuals affected with NDUFS8-related conditions. An algorithm developed to predict the effect of missense changes on protein structure and function (PolyPhen-2) suggests that this variant is likely to be tolerated. In summary, the available evidence is currently insufficient to determine the role of this variant in disease. Therefore, it has been classified as a Variant of Uncertain Significance.